The following is an entry in ClinVar:

ClinVar aggregate classification (germline): Uncertain significance. Review status: criteria provided, multiple submitters, no conflicts (2 of 4 stars). 3 submissions from 3 submitters: Uncertain significance (3). Last evaluated 2025-07-07.

Conditions:
Cardiovascular phenotype. Identifiers: MedGen CN230736.
Cardiomyopathy (CMYO). Also called: Cardiomyopathies. Identifiers: Orphanet 167848, MedGen C0878544, MONDO:0004994, HP:0001638. Inheritance: Various modes of inheritance.

gnomAD v4.1: 6 of 1,613,062 alleles (0.00037%); highest among the groups gnomAD compares: Non-Finnish European, 0.00051%; no homozygotes.

Submissions (3):

Color Diagnostics, LLC DBA Color Health
Classification: Uncertain significance for Cardiomyopathy. Last evaluated: 2025-07-07. Review status: criteria provided, single submitter. Criteria: ACMG Guidelines, 2015. Collection method: clinical testing. Allele origin: germline.
Comment: This missense variant replaces aspartic acid with tyrosine at codon 1418 of the RYR2 protein. Computational prediction is inconclusive regarding the impact of this variant on protein structure and function. To our knowledge, functional studies have not been reported for this variant. This variant has not been reported in individuals affected with RYR2-related disorders in the literature. This variant has not been identified in the general population by the Genome Aggregation Database (gnomAD). The available evidence is insufficient to determine the role of this variant in disease conclusively. Therefore, this variant is classified as a Variant of Uncertain Significance.

Ambry Genetics
Classification: Uncertain significance for Cardiovascular phenotype. Last evaluated: 2025-07-03. Review status: criteria provided, single submitter. Criteria: Ambry Variant Classification Scheme 2023. Collection method: clinical testing. Allele origin: germline.
Comment: The p.D1418Y variant (also known as c.4252G>T), located in coding exon 32 of the RYR2 gene, results from a G to T substitution at nucleotide position 4252. The aspartic acid at codon 1418 is replaced by tyrosine, an amino acid with highly dissimilar properties. This amino acid position is not well conserved in available vertebrate species. In addition, the in silico prediction for this alteration is inconclusive. Based on the available evidence, the clinical significance of this variant remains unclear.

GeneDx
Classification: Uncertain significance. Last evaluated: 2025-05-27. Review status: criteria provided, single submitter. Criteria: GeneDx Variant Classification Process June 2021. Collection method: clinical testing. Allele origin: germline. Affected: yes.
Comment: Not observed at significant frequency in large population cohorts (gnomAD); In silico analysis supports that this missense variant has a deleterious effect on protein structure/function; Has not been previously published as pathogenic or benign to our knowledge; Not located in one of the three hot-spot regions of the RYR2 gene, where the majority of pathogenic missense variants occur (PMID: 19926015); This variant is associated with the following publications: (PMID: 19926015)

NM_001035.3(RYR2):c.4252G>T (p.Asp1418Tyr)

Gene: RYR2 (ryanodine receptor 2; plus strand). Cytogenetic location: 1q43.
Variant type: single nucleotide variant.
Coding change: c.4252G>T on transcript NM_001035.3 (MANE Select); coding-DNA position 4252, G replaced by T.
Protein change: p.Asp1418Tyr; replaces aspartic acid 1418 with tyrosine.
Molecular consequence: missense variant.
Genome position (GRCh38, 1-based): chr1:237,591,830, G>T. VCF-style: chr1-237591830-G-T. GRCh37 (hg19) VCF-style: chr1-237755130-G-T.
Other names: short protein forms D1418Y.
Identifiers: ClinVar variation 4158417 (VCV004158417.3).
Genomic context (GRCh38, chr1:237,591,830, plus strand): 5'-AGCACAAGCCATTCTGCAAGACTCACCGAAGATGTCCTTGCTGATGATCGGGATGACTAT[G>T]ATTTCTTGATGCAAACGTCCACGGTATGAGGTTGCAGCTTTTGTCGTTTATTTCTATCTG-3'
Protein context (NP_001026.2, residues 1408-1428): DVLADDRDDY[Asp1418Tyr]FLMQTSTYYY